The following is an entry in ClinVar:

ClinVar aggregate classification (germline): Uncertain significance. Review status: criteria provided, multiple submitters, no conflicts (2 of 4 stars). 4 submissions from 4 submitters: Uncertain significance (4). Last evaluated 2025-06-17.

Conditions:
Tuberous sclerosis 2 (TSC2). Identifiers: Orphanet 805, MedGen C1860707, MONDO:0013199, OMIM 613254.
Hereditary cancer-predisposing syndrome. Also called: Neoplastic Syndromes, Hereditary; Tumor predisposition; Hereditary Cancer Syndrome; Hereditary neoplastic syndrome. Identifiers: Orphanet 140162, MedGen C0027672, MeSH D009386, MONDO:0015356.
Tuberous sclerosis syndrome (TSC). Also called: Tuberous Sclerosis Complex; Tuberous sclerosis. Identifiers: Orphanet 805, MedGen C0041341, MONDO:0001734.

Submissions (4):

St. Jude Molecular Pathology, St. Jude Children's Research Hospital
Classification: Uncertain significance for Tuberous sclerosis 2. Last evaluated: 2025-06-17. Review status: criteria provided, single submitter. Criteria: St. Jude Assertion Criteria 2020. Collection method: clinical testing. Allele origin: germline.
Comment: The TSC2 c.1991C>A p.(Ser664Tyr) missense change is absent in gnomAD v2.1.1. The in silico tool REVEL predicts a deleterious effect on protein function, but to our knowledge this prediction has not been confirmed by functional studies. To our knowledge, this variant has not been reported in individuals with tuberous sclerosis complex. In summary, the evidence currently available is insufficient to determine the clinical significance of this variant. It has therefore been classified as of uncertain significance.

Ambry Genetics
Classification: Uncertain significance for Hereditary cancer-predisposing syndrome. Last evaluated: 2024-10-29. Review status: criteria provided, single submitter. Criteria: Ambry Variant Classification Scheme 2023. Collection method: clinical testing. Allele origin: germline.
Comment: The p.S664Y variant (also known as c.1991C>A), located in coding exon 18 of the TSC2 gene, results from a C to A substitution at nucleotide position 1991. The serine at codon 664 is replaced by tyrosine, an amino acid with dissimilar properties. This amino acid position is highly conserved in available vertebrate species. In addition, this alteration is predicted to be deleterious by in silico analysis. Based on the available evidence, the clinical significance of this variant remains unclear.

Labcorp Genetics (formerly Invitae), Labcorp
Classification: Uncertain significance for Tuberous sclerosis 2. Last evaluated: 2023-11-24. Review status: criteria provided, single submitter. Criteria: Invitae Variant Classification Sherloc (09022015). Collection method: clinical testing. Allele origin: germline.
Comment: This sequence change replaces serine, which is neutral and polar, with tyrosine, which is neutral and polar, at codon 664 of the TSC2 protein (p.Ser664Tyr). This variant is not present in population databases (gnomAD no frequency). This variant has not been reported in the literature in individuals affected with TSC2-related conditions. ClinVar contains an entry for this variant (Variation ID: 535897). Advanced modeling of protein sequence and biophysical properties (such as structural, functional, and spatial information, amino acid conservation, physicochemical variation, residue mobility, and thermodynamic stability) performed at Invitae indicates that this missense variant is not expected to disrupt TSC2 protein function with a negative predictive value of 95%. In summary, the available evidence is currently insufficient to determine the role of this variant in disease. Therefore, it has been classified as a Variant of Uncertain Significance.

All of Us Research Program, National Institutes of Health
Classification: Uncertain significance for Tuberous sclerosis syndrome. Last evaluated: 2023-06-15. Review status: criteria provided, single submitter. Criteria: ACMG Guidelines, 2015. Collection method: clinical testing. Allele origin: germline. Inheritance: Autosomal dominant inheritance. Observed: 3 variant alleles, 3 heterozygotes.
Comment: This missense variant replaces serine with tyrosine at codon 664 of the TSC2 protein. Computational prediction is inconclusive regarding the impact of this variant on protein structure and function (internally defined REVEL score threshold 0.5 < inconclusive < 0.7, PMID: 27666373). To our knowledge, functional studies have not been reported for this variant. This variant has not been reported in individuals affected with tuberous sclerosis complex in the literature. This variant has not been identified in the general population by the Genome Aggregation Database (gnomAD). The available evidence is insufficient to determine the role of this variant in disease conclusively. Therefore, this variant is classified as a Variant of Uncertain Significance.

This study involves interpretation of variants in research participants for the purpose of population health screening. Participant phenotype was not available at the time of variant classification. Additional details can be found in publication PMID: 35346344, PMCID: PMC8962531

NM_000548.5(TSC2):c.1991C>A (p.Ser664Tyr)

Gene: TSC2 (TSC complex subunit 2; plus strand). Cytogenetic location: 16p13.3.
Variant type: single nucleotide variant.
Coding change: c.1991C>A on transcript NM_000548.5 (MANE Select); coding-DNA position 1991, C replaced by A.
Protein change: p.Ser664Tyr; replaces serine 664 with tyrosine.
Molecular consequence: missense variant.
Genome position (GRCh38, 1-based): chr16:2,071,828, C>A. VCF-style: chr16-2071828-C-A. GRCh37 (hg19) VCF-style: chr16-2121829-C-A.
Other names: c.1991C>A, p.Ser664Tyr (NM_001077183.3, NM_001114382.3, NM_001363528.2 and 3 more transcripts); c.1880C>A, p.Ser627Tyr (NM_001318827.2); c.1844C>A, p.Ser615Tyr (NM_001318829.2); c.1391C>A, p.Ser464Tyr (NM_001318831.2); c.2024C>A, p.Ser675Tyr (NM_001318832.2); short protein forms S664Y, S615Y, S464Y, S675Y, S627Y.
Identifiers: ClinVar variation 535897 (VCV000535897.17), dbSNP rs991714565, ClinGen allele CA394274408.